The following is an entry in ClinVar:

ClinVar aggregate classification (germline): Conflicting classifications of pathogenicity. Review status: criteria provided, conflicting classifications (1 of 4 stars). 2 submissions from 2 submitters: Uncertain significance (1); Likely benign (1). Last evaluated 2025-11-12.

Conditions:
COG5-congenital disorder of glycosylation. Also called: CONGENITAL DISORDER OF GLYCOSYLATION, TYPE IIi; CDG IIi; COG5-CDG. Identifiers: Orphanet 263487, MedGen C3150876, MONDO:0013325, OMIM 613612.

Allele frequency attached by ClinVar (database versions not stated): gnomAD 0.00007; gnomAD exomes 0.00013 and 0.00027; 1000 Genomes Project 30x 0.00016; 1000 Genomes Project 0.00020; ExAC 0.00028.
gnomAD v4.1: 197 of 1,607,352 alleles (0.012%); highest among the groups gnomAD compares: South Asian, 0.21%; 2 homozygotes.

Submissions (2):

Labcorp Genetics (formerly Invitae), Labcorp
Classification: Likely benign for COG5-congenital disorder of glycosylation. Last evaluated: 2025-11-12. Review status: criteria provided, single submitter. Criteria: Invitae Variant Classification Sherloc (09022015). Collection method: clinical testing. Allele origin: germline.

GeneDx
Classification: Uncertain significance. Last evaluated: 2019-10-03. Review status: criteria provided, single submitter. Criteria: GeneDx Variant Classification Process June 2021. Collection method: clinical testing. Allele origin: germline. Affected: yes.
Comment: Nonsense variant predicted to result in protein truncation, although loss-of-function variants have not been reported downstream of this position in the protein; Has not been previously published as pathogenic or benign to our knowledge

NM_006348.5(COG5):c.2485C>T (p.Gln829Ter)

Gene: COG5 (component of oligomeric golgi complex 5; minus strand). Cytogenetic location: 7q22.3.
Variant type: single nucleotide variant.
Coding change: c.2485C>T on transcript NM_006348.5 (MANE Select); coding-DNA position 2485, C replaced by T.
Protein change: p.Gln829Ter; replaces glutamine 829 with a stop codon.
Molecular consequence: nonsense.
Genome position (GRCh38, 1-based): chr7:107,203,521, G>A on the plus strand (C>T on the coding strand, the complement: COG5 is on the minus strand). VCF-style: chr7-107203521-G-A. GRCh37 (hg19) VCF-style: chr7-106843966-G-A.
Other names: c.2323C>T, p.Gln775Ter (NM_001379511.1); c.2311C>T, p.Gln771Ter (NM_001379512.1); c.2278C>T, p.Gln760Ter (NM_001379513.1); c.2170C>T, p.Gln724Ter (NM_001379514.1); c.1915C>T, p.Gln639Ter (NM_001379515.1); c.1771C>T, p.Gln591Ter (NM_001379516.1); c.2422C>T, p.Gln808Ter (NM_181733.4); short protein forms Q591*, Q639*, Q724*, Q760*, Q771*, Q775*, Q808*, Q829*.
Identifiers: ClinVar variation 1200986 (VCV001200986.11), dbSNP rs549788738, ClinGen allele CA4430563.